The following is an entry in ClinVar:

ClinVar aggregate classification (germline): Uncertain significance. Review status: criteria provided, multiple submitters, no conflicts (2 of 4 stars). 3 submissions from 3 submitters: Uncertain significance (3). Last evaluated 2025-11-11.

Conditions:
ATRX-related disorder. Also called: ATRX-related condition.
Alpha thalassemia-X-linked intellectual disability syndrome (ATRX). Also called: X-linked alpha-thalassemia-mental retardation syndrome; ALPHA-THALASSEMIA/IMPAIRED INTELLECTUAL DEVELOPMENT SYNDROME, X-LINKED; ALPHA-THALASSEMIA/MENTAL RETARDATION SYNDROME, X-LINKED; ATR, NONDELETION TYPE; ATR-X syndrome; Alpha thalassemia mental retardation syndrome, nondeletion type, X-linked. Identifiers: Orphanet 847, MedGen C1845055, MONDO:0010519, OMIM 301040.

Submissions (3):

PreventionGenetics, part of Exact Sciences
Classification: Uncertain significance for ATRX-related condition. Last evaluated: 2025-11-11. Review status: criteria provided, single submitter. Criteria: ACMG Guidelines, 2015. Collection method: clinical testing. Allele origin: germline.
Comment: The ATRX c.6085A>G variant is predicted to result in the amino acid substitution p.Met2029Val. To our knowledge, this variant has not been reported in the literature or in a large population database (gnomAD), indicating this variant is rare. At this time, the clinical significance of this variant is uncertain due to the absence of conclusive functional and genetic evidence.

GeneDx
Classification: Uncertain significance. Last evaluated: 2025-10-28. Review status: criteria provided, single submitter. Criteria: GeneDx Variant Classification Process June 2021. Collection method: clinical testing. Allele origin: germline.
Comment: Not observed at significant frequency in large population cohorts (gnomAD); In silico analysis suggests that this missense variant does not alter protein structure/function; Has not been previously published as pathogenic or benign in association with an ATRX-related disorder to our knowledge; This variant is associated with the following publications: (PMID: 37406452)

Labcorp Genetics (formerly Invitae), Labcorp
Classification: Uncertain significance for Alpha thalassemia-X-linked intellectual disability syndrome. Last evaluated: 2025-04-07. Review status: criteria provided, single submitter. Criteria: Invitae Variant Classification Sherloc (09022015). Collection method: clinical testing. Allele origin: germline.
Comment: This sequence change replaces methionine, which is neutral and non-polar, with valine, which is neutral and non-polar, at codon 2029 of the ATRX protein (p.Met2029Val). This variant is not present in population databases (gnomAD no frequency). This variant has not been reported in the literature in individuals affected with ATRX-related conditions. ClinVar contains an entry for this variant (Variation ID: 1511771). Invitae Evidence Modeling of protein sequence and biophysical properties (such as structural, functional, and spatial information, amino acid conservation, physicochemical variation, residue mobility, and thermodynamic stability) indicates that this missense variant is not expected to disrupt ATRX protein function with a negative predictive value of 95%. In summary, the available evidence is currently insufficient to determine the role of this variant in disease. Therefore, it has been classified as a Variant of Uncertain Significance.

NM_000489.6(ATRX):c.6085A>G (p.Met2029Val)

Gene: ATRX (ATRX chromatin remodeler; minus strand). Cytogenetic location: Xq21.1.
Variant type: single nucleotide variant.
Coding change: c.6085A>G on transcript NM_000489.6 (MANE Select); coding-DNA position 6085, A replaced by G.
Protein change: p.Met2029Val; replaces methionine 2029 with valine.
Molecular consequence: missense variant.
Genome position (GRCh38, 1-based): chrX:77,593,721, T>C on the plus strand (A>G on the coding strand, the complement: ATRX is on the minus strand). VCF-style: chrX-77593721-T-C. GRCh37 (hg19) VCF-style: chrX-76849191-T-C.
Other names: c.6085A>G (NM_000489.4); c.5971A>G, p.Met1991Val (NM_138270.5); short protein forms M1991V, M2029V.
Identifiers: ClinVar variation 1511771 (VCV001511771.7), dbSNP rs2148115836, ClinGen allele CA413702779.
Genomic context (GRCh38, chrX:77,593,721, plus strand): 5'-GTTAATTTATATAATAAATATGGTAAAGCACTTACACTTTATCCCCAATTTCCTCTGCCA[T>C]TCGAAGAATTTCAAAGAGAAGTACCATTTTCCCAGAATGCTCTAAAACCTCAGCATCAGC-3'
Protein context (NP_000480.3, residues 2019-2039): KMVLLFEILR[Met2029Val]AEEIGDKVLV